The following is an entry in ClinVar:

ClinVar aggregate classification (germline): Likely benign. Review status: criteria provided, multiple submitters, no conflicts (2 of 4 stars). 2 submissions from 2 submitters: Likely benign (2). Last evaluated 2025-05-13.

Conditions:
TSHZ3-related disorder. Also called: TSHZ3-related condition.

gnomAD v4.1: 104 of 1,606,368 alleles (0.0065%); highest among the groups gnomAD compares: African/African-American, 0.051%; no homozygotes.

Submissions (2):

Ambry Genetics
Classification: Likely benign. Last evaluated: 2025-05-13. Review status: criteria provided, single submitter. Criteria: Ambry Variant Classification Scheme 2023. Collection method: clinical testing. Allele origin: germline.

PreventionGenetics, part of Exact Sciences
Classification: Likely benign for TSHZ3-related condition. Last evaluated: 2024-10-09. Review status: criteria provided, single submitter. Criteria: ACMG Guidelines, 2015. Collection method: clinical testing. Allele origin: germline.
Comment: This variant is classified as likely benign based on ACMG/AMP sequence variant interpretation guidelines (Richards et al. 2015 PMID: 25741868, with internal and published modifications).

NM_020856.4(TSHZ3):c.2661C>T (p.Pro887=)

Gene: TSHZ3 (teashirt zinc finger homeobox 3; minus strand). Cytogenetic location: 19q12.
Variant type: single nucleotide variant.
Coding change: c.2661C>T on transcript NM_020856.4 (MANE Select); coding-DNA position 2661, C replaced by T.
Protein change: p.Pro887=; no amino-acid change (proline 887 retained).
Molecular consequence: synonymous variant.
Genome position (GRCh38, 1-based): chr19:31,277,132, G>A on the plus strand (C>T on the coding strand, the complement: TSHZ3 is on the minus strand). VCF-style: chr19-31277132-G-A. GRCh37 (hg19) VCF-style: chr19-31768038-G-A.
Other names: c.2661C>T (NM_020856.3).
Identifiers: ClinVar variation 3974862 (VCV003974862.2).